The following is an entry in ClinVar:

NC_000009.11:g.(?_6587131)_(6595129_?)del

Gene: GLDC (glycine decarboxylase; minus strand). Cytogenetic location: 9p24.1.
Variant type: Deletion.
Identifiers: ClinVar variation 1070377 (VCV001070377.1).

ClinVar aggregate classification (germline): Pathogenic (1 of 4 stars; one submission).

Conditions:
Glycine encephalopathy. Also called: Nonketotic hyperglycinemia; Non-ketotic hyperglycinemia. Identifiers: Orphanet 407, MedGen C0751748, MONDO:0011612, HP:0008288.

Submission:

Labcorp Genetics (formerly Invitae), Labcorp
Classification: Pathogenic for Glycine encephalopathy. Last evaluated: 2020-10-09. Review status: criteria provided, single submitter. Criteria: Invitae Variant Classification Sherloc (09022015). Collection method: clinical testing. Allele origin: germline.
Comment: This variant is an out-of-frame deletion of the genomic region encompassing exon(s) 9-15 of the GLDC gene. This is expected to create a premature translational stop signal and result in an absent or disrupted protein product. Similar deletions of exons 9-15 have been observed in individual(s) with GLDC-related conditions (PMID: 22532538). Loss-of-function variants in GLDC are known to be pathogenic (PMID: 16601880). For these reasons, this variant has been classified as Pathogenic.

Literature cited by the submitters: PubMed 22532538; PubMed 16601880.